The following is an entry in ClinVar:

NM_015932.6(POMP):c.334_335del (p.Ile112fs)

Gene: POMP (proteasome maturation protein; plus strand). Cytogenetic location: 13q12.3.
Variant type: Deletion.
Coding change: c.334_335del on transcript NM_015932.6 (MANE Select); coding-DNA positions 334 to 335, 2 bases deleted (AT; older notation c.334_335delAT).
Protein change: p.Ile112fs; shifts the reading frame from isoleucine 112.
Molecular consequence: frameshift variant.
Genome position (GRCh38, 1-based): chr13:28,672,408-28,672,409, AT deleted; deleting any 2 consecutive bases within chr13:28,672,407-28,672,409 gives the same sequence; the c. name uses the placement nearest the transcript's 3' end. VCF-style (leftmost placement, unchanged base first): chr13-28672406-CTA-C. GRCh37 (hg19) VCF-style: chr13-29246543-CTA-C.
Other names: short protein forms I112fs.
Identifiers: ClinVar variation 522801 (VCV000522801.5), dbSNP rs1555257073, ClinGen allele CA658798126.
Genomic context (GRCh38, chr13:28,672,406, plus strand): 5'-GTCTTCCATTTCTTTCAAGCTCAAATCTTTCACTGGATGTTTTGAGGGGTAATGATGAGA[CTA>C]TTGGATTTGAGGATATTCTTAATGGTAAGTGTCATTCAGCACCTTTTTATGGAGCCCTTG-3'

ClinVar aggregate classification (germline): Pathogenic. Review status: criteria provided, multiple submitters, no conflicts (2 of 4 stars). 3 submissions from 3 submitters: Pathogenic (2). 1 of the submissions does not count toward it. Last evaluated 2023-08-12.

Conditions:
Proteasome-associated autoinflammatory syndrome 2. Identifiers: MedGen C4747989, MONDO:0054700, OMIM 618048.
Keratosis linearis-ichthyosis congenita-sclerosing keratoderma syndrome. Also called: KLICK SYNDROME. Identifiers: Orphanet 281201, MedGen C1866029, MONDO:0011169, OMIM 601952.

Submissions (3):

Baylor Genetics
Classification: Pathogenic for Keratosis linearis-ichthyosis congenita-sclerosing keratoderma syndrome. Last evaluated: 2023-08-12. Review status: criteria provided, single submitter. Criteria: ACMG Guidelines, 2015. Collection method: clinical testing. Allele origin: unknown.

Undiagnosed Diseases Network, NIH
Classification: Pathogenic for Proteasome-associated autoinflammatory syndrome 2. Last evaluated: 2017-02-14. Review status: criteria provided, single submitter. Criteria: ACMG Guidelines, 2015. Collection method: clinical testing. Allele origin: de novo. Inheritance: Autosomal dominant inheritance. Affected: yes. Observed: 1 variant allele, 1 heterozygote. Study: Undiagnosed Diseases Network (NIH), UDN.
Comment: This individual has been reported in PMID: 29805043 (individual B).

OMIM
Classification: Pathogenic for PROTEASOME-ASSOCIATED AUTOINFLAMMATORY SYNDROME 2. Last evaluated: 2018-07-17. Review status: no assertion criteria provided. Collection method: literature only. Allele origin: germline. Not counted in ClinVar's aggregate classification.

Literature cited by the submitters: PubMed 29805043 (cited by OMIM).